The following is an entry in ClinVar:

ClinVar aggregate classification (germline): Uncertain significance (1 of 4 stars; one submission).

gnomAD v4.1: 21 of 695,550 alleles (0.003%); highest among the groups gnomAD compares: Middle Eastern, 0.073%; no homozygotes.

Submission:

Labcorp Genetics (formerly Invitae), Labcorp
Classification: Uncertain significance. Last evaluated: 2022-02-01. Review status: criteria provided, single submitter. Criteria: Invitae Variant Classification Sherloc (09022015). Collection method: clinical testing. Allele origin: germline.
Comment: This variant occurs in the RNU4ATAC gene, which encodes an RNA molecule that does not result in a protein product. This variant is present in population databases (no rsID available, gnomAD 0.03%). This variant has not been reported in the literature in individuals affected with RNU4ATAC-related conditions. Experimental studies and prediction algorithms are not available or were not evaluated, and the functional significance of this variant is currently unknown. In summary, the available evidence is currently insufficient to determine the role of this variant in disease. Therefore, it has been classified as a Variant of Uncertain Significance.

NC_000002.12:g.121530900T>G

Genes: CLASP1 (cytoplasmic linker associated protein 1; minus strand), CLASP1-AS1 (CLASP1 antisense RNA 1; plus strand), RNU4ATAC (RNA, U4atac small nuclear; plus strand). Cytogenetic location: 2q14.2.
Variant type: single nucleotide variant.
Molecular consequence: intron variant (on NM_001395891.1).
Genome position: GRCh38 VCF-style: chr2-121530900-T-G. GRCh37 (hg19) VCF-style: chr2-122288476-T-G.
Other names: c.196-575A>C (NM_001142274.2, NM_015282.3, NM_001378003.1 and 5 more transcripts).
Identifiers: ClinVar variation 1518381 (VCV001518381.3), dbSNP rs966589874, ClinGen allele CA54810782.